The following is an entry in ClinVar:

ClinVar aggregate classification (germline): Uncertain significance (1 of 4 stars; one submission).

Conditions:
Marfan syndrome (MFS). Also called: Marfan's syndrome; Marfan syndrome, classic; MARFAN SYNDROME, TYPE I; Marfan syndrome type 1; FBN1-Related Marfan Syndrome. Identifiers: Orphanet 284963, Orphanet 558, MedGen C0024796, MONDO:0007947, OMIM 154700.
Familial thoracic aortic aneurysm and aortic dissection (TAAD). Also called: Thoracic aortic aneurysms and dissections. Identifiers: Orphanet 91387, MedGen C4707243, MONDO:0019625.

Allele frequency attached by ClinVar (database versions not stated): gnomAD exomes below 0.00001.
gnomAD v4.1: 1 of 1,613,768 alleles (0.000062%); highest among the groups gnomAD compares: South Asian, 0.0011%; no homozygotes.

Submission:

Labcorp Genetics (formerly Invitae), Labcorp
Classification: Uncertain significance for Marfan syndrome; Familial thoracic aortic aneurysm and aortic dissection. Last evaluated: 2023-10-02. Review status: criteria provided, single submitter. Criteria: Invitae Variant Classification Sherloc (09022015). Collection method: clinical testing. Allele origin: germline.
Comment: This sequence change replaces proline, which is neutral and non-polar, with arginine, which is basic and polar, at codon 175 of the FBN1 protein (p.Pro175Arg). This variant is not present in population databases (gnomAD no frequency). This variant has not been reported in the literature in individuals affected with FBN1-related conditions. ClinVar contains an entry for this variant (Variation ID: 1714001). Advanced modeling of protein sequence and biophysical properties (such as structural, functional, and spatial information, amino acid conservation, physicochemical variation, residue mobility, and thermodynamic stability) has been performed at Invitae for this missense variant, however the output from this modeling did not meet the statistical confidence thresholds required to predict the impact of this variant on FBN1 protein function. In summary, the available evidence is currently insufficient to determine the role of this variant in disease. Therefore, it has been classified as a Variant of Uncertain Significance.

NM_000138.5(FBN1):c.524C>G (p.Pro175Arg)

Gene: FBN1 (fibrillin 1; minus strand). Cytogenetic location: 15q21.1.
Variant type: single nucleotide variant.
Coding change: c.524C>G on transcript NM_000138.5 (MANE Select); coding-DNA position 524, C replaced by G.
Protein change: p.Pro175Arg; replaces proline 175 with arginine.
Molecular consequence: missense variant.
Genome position (GRCh38, 1-based): chr15:48,596,297, G>C on the plus strand (C>G on the coding strand, the complement: FBN1 is on the minus strand). VCF-style: chr15-48596297-G-C. GRCh37 (hg19) VCF-style: chr15-48888494-G-C.
Other names: c.524C>G, p.Pro175Arg (NM_001406716.1, NM_001406717.1); short protein forms P175R.
Identifiers: ClinVar variation 1714001 (VCV001714001.4), dbSNP rs2505754682, ClinGen allele CA392446251.